The following is an entry in ClinVar:

ClinVar aggregate classification (germline): Likely benign (1 of 4 stars; one submission).

gnomAD v4.1: 192 of 829,304 alleles (0.023%); highest among the groups gnomAD compares: African/African-American, 0.17%; no homozygotes.

Submission:

CeGaT Center for Human Genetics Tuebingen
Classification: Likely benign. Last evaluated: 2026-05-01. Review status: criteria provided, single submitter. Criteria: CeGaT Center For Human Genetics Tuebingen Variant Classification Criteria Version 2. Collection method: clinical testing. Allele origin: germline. Affected: yes. Observed: 1 variant allele.
Comment: CYBC1: BP4, BP7

NM_001033046.4(CYBC1):c.*266G>A

Gene: CYBC1 (cytochrome b-245 chaperone 1; minus strand). Cytogenetic location: 17q25.3.
Variant type: single nucleotide variant.
Coding change: c.*266G>A on transcript NM_001033046.4 (MANE Select); 266 bases downstream of the stop codon, G replaced by A.
Molecular consequence: 3 prime UTR variant. On other transcripts: non-coding transcript variant (4).
Genome position (GRCh38, 1-based): chr17:82,443,738, C>T on the plus strand (G>A on the coding strand, the complement: CYBC1 is on the minus strand). VCF-style: chr17-82443738-C-T. GRCh37 (hg19) VCF-style: chr17-80401614-C-T.
Other names: c.*266G>A (NM_001100407.3, NM_001100408.3, NM_001193653.2 and 3 more transcripts).
Identifiers: ClinVar variation 4872420 (VCV004872420.2).